The following is an entry in ClinVar:

NM_020207.7(ERCC6L2):c.1780G>A (p.Gly594Ser)

Gene: ERCC6L2 (ERCC excision repair 6 like 2; plus strand). Cytogenetic location: 9q22.32.
Variant type: single nucleotide variant.
Coding change: c.1780G>A on transcript NM_020207.7 (MANE Select); coding-DNA position 1780, G replaced by A.
Protein change: p.Gly594Ser; replaces glycine 594 with serine.
Molecular consequence: missense variant. On other transcripts: non-coding transcript variant (1).
Genome position (GRCh38, 1-based): chr9:95,941,482, G>A. VCF-style: chr9-95941482-G-A. GRCh37 (hg19) VCF-style: chr9-98703764-G-A.
Other names: c.1780G>A, p.Gly594Ser (NM_001010895.4, NM_001375291.1, NM_001375292.1 and 2 more transcripts); short protein forms G594S.
Identifiers: ClinVar variation 2083185 (VCV002083185.4), dbSNP rs368747018, ClinGen allele CA5139688.

ClinVar aggregate classification (germline): Uncertain significance. Review status: criteria provided, multiple submitters, no conflicts (2 of 4 stars). 2 submissions from 2 submitters: Uncertain significance (2). Last evaluated 2025-08-22.

Conditions:
Inborn genetic diseases. Identifiers: MedGen C0950123, MeSH D030342.

Allele frequency attached by ClinVar (database versions not stated): gnomAD exomes 0.00002; ExAC 0.00003; gnomAD 0.00003; TOPMed 0.00007.
gnomAD v4.1: 36 of 1,612,052 alleles (0.0022%); highest among the groups gnomAD compares: Admixed American, 0.01%; no homozygotes.

Submissions (2):

Ambry Genetics
Classification: Uncertain significance for Inborn genetic diseases. Last evaluated: 2025-08-22. Review status: criteria provided, single submitter. Criteria: Ambry Variant Classification Scheme 2023. Collection method: clinical testing. Allele origin: germline.

Labcorp Genetics (formerly Invitae), Labcorp
Classification: Uncertain significance. Last evaluated: 2024-11-11. Review status: criteria provided, single submitter. Criteria: Invitae Variant Classification Sherloc (09022015). Collection method: clinical testing. Allele origin: germline.
Comment: This sequence change replaces glycine, which is neutral and non-polar, with serine, which is neutral and polar, at codon 605 of the ERCC6L2 protein (p.Gly605Ser). This variant is present in population databases (rs368747018, gnomAD 0.04%). This variant has not been reported in the literature in individuals affected with ERCC6L2-related conditions. ClinVar contains an entry for this variant (Variation ID: 2083185). Experimental studies and prediction algorithms are not available or were not evaluated, and the functional significance of this variant is currently unknown. In summary, the available evidence is currently insufficient to determine the role of this variant in disease. Therefore, it has been classified as a Variant of Uncertain Significance.